The following is an entry in ClinVar:

NM_033360.4(KRAS):c.347A>G (p.Asn116Ser)

Gene: KRAS (KRas proto-oncogene, GTPase; minus strand). Cytogenetic location: 12p12.1.
Variant type: single nucleotide variant.
Coding change: c.347A>G on transcript NM_033360.4 (MANE Plus Clinical); coding-DNA position 347, A replaced by G.
Protein change: p.Asn116Ser; replaces asparagine 116 with serine.
Molecular consequence: missense variant.
Genome position (GRCh38, 1-based): chr12:25,225,717, T>C on the plus strand (A>G on the coding strand, the complement: KRAS is on the minus strand). VCF-style: chr12-25225717-T-C. GRCh37 (hg19) VCF-style: chr12-25378651-T-C.
Other names: c.347A>G, p.Asn116Ser (LRG_344t1, LRG_344t2, NM_001369786.1 and 2 more transcripts); short protein forms N116S.
Identifiers: ClinVar variation 156338 (VCV000156338.2), dbSNP rs202247812, ClinGen allele CA270751.

ClinVar aggregate classification (germline): Likely pathogenic. Review status: criteria provided, single submitter (1 of 4 stars). 2 submissions from 2 submitters: Likely pathogenic (1). 1 of the submissions does not count toward it. Last evaluated 2024-01-24.

Conditions:
Noonan syndrome 1 (NS1). Also called: FEMALE PSEUDO-TURNER SYNDROME; TURNER PHENOTYPE WITH NORMAL KARYOTYPE; PTPN11-Related Noonan Syndrome. Identifiers: Orphanet 648, MedGen C4551602, MONDO:0008104, OMIM 163950. Disease mechanism: gain of function.

Submissions (2):

GeneDx
Classification: Likely pathogenic. Last evaluated: 2024-01-24. Review status: criteria provided, single submitter. Criteria: GeneDx Variant Classification Process June 2021. Collection method: clinical testing. Allele origin: germline. Affected: yes.
Comment: Published functional studies demonstrate a damaging effect: Erk activation, active Ras-GTP levels, and mild cell proliferation (PMID: 22302539); Not observed at significant frequency in large population cohorts (gnomAD); Missense variants in this gene are a common cause of disease and they are underrepresented in the general population; In silico analysis supports that this missense variant has a deleterious effect on protein structure/function; This variant is associated with the following publications: (PMID: 22302539)

ClinVar Staff, National Center for Biotechnology Information (NCBI)
No classification provided. Condition: Noonan syndrome 1. Review status: no classification provided. Collection method: not provided. Allele origin: germline. Not counted in ClinVar's aggregate classification.
Comment: Experimental analyses suggest a gain of function.